The following is an entry in ClinVar:

NM_001271.4(CHD2):c.4592+3_4592+5dup

Gene: CHD2 (chromodomain helicase DNA binding protein 2; plus strand). Cytogenetic location: 15q26.1.
Variant type: Duplication.
Coding change: c.4592+3_4592+5dup on transcript NM_001271.4 (MANE Select); bases 3 to 5 of the intron after coding-DNA position 4592, 3 bases duplicated (AAC; older notation c.4592+3_4592+5dupAAC).
Molecular consequence: intron variant.
Genome position (GRCh38, 1-based): chr15:93,009,326-93,009,328, AAC duplicated. VCF-style (leftmost placement, unchanged base first): chr15-93009325-T-TAAC. GRCh37 (hg19) VCF-style: chr15-93552555-T-TAAC.
Identifiers: ClinVar variation 2570912 (VCV002570912.29), dbSNP rs773185827, ClinGen allele CA7748504.

ClinVar aggregate classification (germline): Likely benign. Review status: criteria provided, multiple submitters, no conflicts (2 of 4 stars). 2 submissions from 2 submitters: Likely benign (2). Last evaluated 2024-09-12.

Conditions:
Developmental and epileptic encephalopathy 94 (DEE94). Also called: CHD2-Related Neurodevelopmental Disorders; Epileptic encephalopathy, childhood-onset. Identifiers: Orphanet 1942, Orphanet 2382, MedGen C3809278, MONDO:0014150, OMIM 615369.

Allele frequency attached by ClinVar (database versions not stated): gnomAD exomes below 0.00001; ExAC 0.00002.

Submissions (2):

Labcorp Genetics (formerly Invitae), Labcorp
Classification: Likely benign for Developmental and epileptic encephalopathy 94. Last evaluated: 2024-09-12. Review status: criteria provided, single submitter. Criteria: Invitae Variant Classification Sherloc (09022015). Collection method: clinical testing. Allele origin: germline.

CeGaT Center for Human Genetics Tuebingen
Classification: Likely benign. Last evaluated: 2023-05-01. Review status: criteria provided, single submitter. Criteria: CeGaT Center For Human Genetics Tuebingen Variant Classification Criteria Version 2. Collection method: clinical testing. Allele origin: germline. Affected: yes. Observed: 2 variant alleles.
Comment: CHD2: BP4, BS2